The following is an entry in ClinVar:

ClinVar aggregate classification (germline): Uncertain significance. Review status: criteria provided, multiple submitters, no conflicts (2 of 4 stars). 2 submissions from 2 submitters: Uncertain significance (2). Last evaluated 2024-05-07.

Allele frequency attached by ClinVar (database versions not stated): TOPMed below 0.00001; gnomAD 0.00001; gnomAD exomes 0.00002 and 0.00003; ExAC 0.00009; 1000 Genomes Project 30x 0.00016; 1000 Genomes Project 0.00020.

Submissions (2):

Ambry Genetics
Classification: Uncertain significance. Last evaluated: 2024-05-07. Review status: criteria provided, single submitter. Criteria: Ambry Variant Classification Scheme 2023. Collection method: clinical testing. Allele origin: germline.

Labcorp Genetics (formerly Invitae), Labcorp
Classification: Uncertain significance. Last evaluated: 2022-08-23. Review status: criteria provided, single submitter. Criteria: Invitae Variant Classification Sherloc (09022015). Collection method: clinical testing. Allele origin: germline.
Comment: This sequence change replaces isoleucine, which is neutral and non-polar, with valine, which is neutral and non-polar, at codon 81 of the SAMD11 protein (p.Ile81Val). Algorithms developed to predict the effect of missense changes on protein structure and function output the following: SIFT: "Deleterious"; PolyPhen-2: "Benign"; Align-GVGD: "Class C0". The valine amino acid residue is found in multiple mammalian species, which suggests that this missense change does not adversely affect protein function. ClinVar contains an entry for this variant (Variation ID: 1367641). This variant has not been reported in the literature in individuals affected with SAMD11-related conditions. This variant is present in population databases (rs575065934, gnomAD 0.04%). In summary, the available evidence is currently insufficient to determine the role of this variant in disease. Therefore, it has been classified as a Variant of Uncertain Significance.

NM_001385641.1(SAMD11):c.778A>G (p.Ile260Val)

Gene: SAMD11 (sterile alpha motif domain containing 11; plus strand). Cytogenetic location: 1p36.33.
Variant type: single nucleotide variant.
Coding change: c.778A>G on transcript NM_001385641.1 (MANE Select); coding-DNA position 778, A replaced by G.
Protein change: p.Ile260Val; replaces isoleucine 260 with valine.
Molecular consequence: missense variant.
Genome position (GRCh38, 1-based): chr1:930,323, A>G. VCF-style: chr1-930323-A-G. GRCh37 (hg19) VCF-style: chr1-865703-A-G.
Other names: c.241A>G (NM_152486.2); c.778A>G, p.Ile260Val (NM_001385640.1); c.241A>G, p.Ile81Val (NM_152486.4); short protein forms I260V, I81V.
Identifiers: ClinVar variation 1367641 (VCV001367641.7), dbSNP rs575065934, ClinGen allele CA502464.